The following is an entry in ClinVar:

NM_005051.3(QARS1):c.2290C>T (p.Arg764Ter)

Gene: QARS1 (glutaminyl-tRNA synthetase 1; minus strand). Cytogenetic location: 3p21.31.
Variant type: single nucleotide variant.
Coding change: c.2290C>T on transcript NM_005051.3 (MANE Select); coding-DNA position 2290, C replaced by T.
Protein change: p.Arg764Ter; replaces arginine 764 with a stop codon.
Molecular consequence: nonsense. On other transcripts: non-coding transcript variant (1).
Genome position (GRCh38, 1-based): chr3:49,096,067, G>A on the plus strand (C>T on the coding strand, the complement: QARS1 is on the minus strand). VCF-style: chr3-49096067-G-A. GRCh37 (hg19) VCF-style: chr3-49133500-G-A.
Other names: c.2257C>T, p.Arg753Ter (NM_001272073.2); short protein forms R753*, R764*.
Identifiers: ClinVar variation 1002999 (VCV001002999.5), dbSNP rs746327492, ClinGen allele CA2391447.
Genomic context (GRCh38, chr3:49,096,067, plus strand): 5'-AGGTAGGTTCAGTGCTTCCAGCTCACACCTTTCCTGGGTCTTCCTTCAGTGTGACAGTTC[G>A]GTTAAAGACAAGCTGGAGGGCAGAGGGAAAAGGATGACCACCAACCCAGAACAAGGCCAG-3'

ClinVar aggregate classification (germline): Uncertain significance (1 of 4 stars; one submission).

Conditions:
Diffuse cerebral and cerebellar atrophy - intractable seizures - progressive microcephaly syndrome. Also called: Microcephaly, progressive, with seizures and cerebral and cerebellar atrophy. Identifiers: Orphanet 404437, MedGen C4014239, MONDO:0014335, OMIM 615760.

Allele frequency attached by ClinVar (database versions not stated): ExAC 0.00001; gnomAD 0.00001; gnomAD exomes 0.00001.

Submission:

Labcorp Genetics (formerly Invitae), Labcorp
Classification: Uncertain significance for Diffuse cerebral and cerebellar atrophy - intractable seizures - progressive microcephaly syndrome. Last evaluated: 2024-01-29. Review status: criteria provided, single submitter. Criteria: Invitae Variant Classification Sherloc (09022015). Collection method: clinical testing. Allele origin: germline.
Comment: This sequence change creates a premature translational stop signal (p.Arg764*) in the QARS gene. While this is not anticipated to result in nonsense mediated decay, it is expected to disrupt the last 12 amino acid(s) of the QARS protein. This variant is present in population databases (rs746327492, gnomAD 0.004%). This variant has not been reported in the literature in individuals affected with QARS-related conditions. ClinVar contains an entry for this variant (Variation ID: 1002999). In summary, the available evidence is currently insufficient to determine the role of this variant in disease. Therefore, it has been classified as a Variant of Uncertain Significance.